The following is an entry in ClinVar:

ClinVar aggregate classification (germline): Uncertain significance (1 of 4 stars; one submission).

Conditions:
Hereditary cancer-predisposing syndrome. Also called: Tumor predisposition; Hereditary neoplastic syndrome; Hereditary Cancer Syndrome; Neoplastic Syndromes, Hereditary. Identifiers: Orphanet 140162, MedGen C0027672, MeSH D009386, MONDO:0015356.

Submission:

Ambry Genetics
Classification: Uncertain significance for Hereditary cancer-predisposing syndrome. Last evaluated: 2023-10-16. Review status: criteria provided, single submitter. Criteria: Ambry Variant Classification Scheme 2023. Collection method: clinical testing. Allele origin: germline.
Comment: The p.T205I variant (also known as c.614C>T), located in coding exon 3 of the PHOX2B gene, results from a C to T substitution at nucleotide position 614. The threonine at codon 205 is replaced by isoleucine, an amino acid with similar properties. This amino acid position is conserved. In addition, this alteration is predicted to be tolerated by in silico analysis. Since supporting evidence is limited at this time, the clinical significance of this alteration remains unclear.

NM_003924.4(PHOX2B):c.614C>T (p.Thr205Ile)

Gene: PHOX2B (paired like homeobox 2B; minus strand). Cytogenetic location: 4p13.
Variant type: single nucleotide variant.
Coding change: c.614C>T on transcript NM_003924.4 (MANE Select); coding-DNA position 614, C replaced by T.
Protein change: p.Thr205Ile; replaces threonine 205 with isoleucine.
Molecular consequence: missense variant.
Genome position (GRCh38, 1-based): chr4:41,746,138, G>A on the plus strand (C>T on the coding strand, the complement: PHOX2B is on the minus strand). VCF-style: chr4-41746138-G-A. GRCh37 (hg19) VCF-style: chr4-41748155-G-A.
Other names: short protein forms T205I.
Identifiers: ClinVar variation 3223591 (VCV003223591.1), dbSNP rs1228610109, ClinGen allele CA356737716.